The following is an entry in ClinVar:

ClinVar aggregate classification (germline): Likely pathogenic (1 of 4 stars; one submission).

Conditions:
Autosomal dominant SOX10-related disorders.

Submission:

Variantyx, Inc.
Classification: Likely pathogenic for Autosomal dominant SOX10-related disorders. Last evaluated: 2025-04-17. Review status: criteria provided, single submitter. Criteria: Variantyx Assertion Criteria 2022. Collection method: clinical testing. Allele origin: germline. Inheritance: Autosomal dominant inheritance. Affected: yes.
Comment: This is a frameshift variant in the SOX10 gene (OMIM: 602229). Pathogenic variants in this gene have been associated with autosomal dominant SOX10-related disorders. This variant introduces a premature termination codon in exon 2 out of 4 and is expected to result in loss of function, which is a known disease mechanism for SOX10 in these disorders (PMID: 17999358, 9462749, 10077527) (PVS1). This variant is absent from control populations (PM2). Based on the current evidence, this variant is classified as likely pathogenic for autosomal dominant SOX10-related disorders.

Literature cited by the submitters: PubMed 17999358; PubMed 9462749; PubMed 10077527.

NM_006941.4(SOX10):c.61_83del (p.Arg21fs)

Genes: POLR2F (RNA polymerase II, I and III subunit F; plus strand), SOX10 (SRY-box transcription factor 10; minus strand). Cytogenetic location: 22q13.1.
Variant type: Deletion.
Coding change: c.61_83del on transcript NM_006941.4 (MANE Select); coding-DNA positions 61 to 83, 23 bases deleted (CGCTGCCTGTCCCCGGGGAGCGC).
Protein change: p.Arg21fs; shifts the reading frame from arginine 21.
Molecular consequence: frameshift variant. On other transcripts: intron variant (3).
Genome position (GRCh38, 1-based): chr22:37,983,702-37,983,724, GCGCTCCCCGGGGACAGGCAGCG deleted on the plus strand (CGCTGCCTGTCCCCGGGGAGCGC on the coding strand, the reverse complement: SOX10 is on the minus strand); deleting any 23 consecutive bases within chr22:37,983,702-37,983,725 gives the same sequence; the c. name uses the placement nearest the transcript's 3' end. VCF-style (leftmost placement, unchanged base first): chr22-37983701-CGCGCTCCCCGGGGACAGGCAGCG-C. GRCh37 (hg19) VCF-style: chr22-38379708-CGCGCTCCCCGGGGACAGGCAGCG-C.
Other names: c.*38+11393_*38+11415del (NM_001363825.1); c.294-2451_294-2429del (NM_001301130.2); c.293+16533_293+16555del (NM_001301131.2); short protein forms R21fs.
Identifiers: ClinVar variation 4852231 (VCV004852231.1).
Genomic context (GRCh38, chr22:37,983,701, plus strand): 5'-TGGCCCCGGGCTGGCTCGCAGGCCCGATCCGCCGCCGCCGCCGTCGGGCCCTAGCGAGGG[CGCGCTCCCCGGGGACAGGCAGCG>C]GGGCTCCTCCGAGCCCACGGGGCTCAGCTCCACCTCCGATAGGTCCTGCTCCTCCGCCAT-3'